The following is an entry in ClinVar:

NM_014141.6(CNTNAP2):c.3010+100T>C

Genes: CNTNAP2 (contactin associated protein 2; plus strand), LOC126860216 (BRD4-independent group 4 enhancer GRCh37_chr7:147868766-147869965; plus strand). Cytogenetic location: 7q35.
Variant type: single nucleotide variant.
Coding change: c.3010+100T>C on transcript NM_014141.6 (MANE Select); 100 bases into the intron after coding-DNA position 3010, T replaced by C.
Molecular consequence: intron variant.
Genome position (GRCh38, 1-based): chr7:148,172,578, T>C. VCF-style: chr7-148172578-T-C. GRCh37 (hg19) VCF-style: chr7-147869670-T-C.
Identifiers: ClinVar variation 675151 (VCV000675151.2), dbSNP rs2074711, ClinGen allele CA12600487.

ClinVar aggregate classification (germline): Benign. Review status: criteria provided, multiple submitters, no conflicts (2 of 4 stars). 2 submissions from 2 submitters: Benign (2). Last evaluated 2018-06-14.

Allele frequency attached by ClinVar (database versions not stated): gnomAD 0.21329 and 0.22303; gnomAD exomes 0.21609; TOPMed 0.22717; 1000 Genomes Project 0.32089; 1000 Genomes Project 30x 0.32370.
gnomAD v4.1: 234,638 of 1,079,348 alleles (22%); highest among the groups gnomAD compares: East Asian, 51%; 31,264 homozygotes.

Submissions (2):

GeneDx
Classification: Benign. Last evaluated: 2018-06-14. Review status: criteria provided, single submitter. Criteria: GeneDx Variant Classification (06012015). Collection method: clinical testing. Allele origin: germline. Affected: yes.
Comment: This variant is considered likely benign or benign based on one or more of the following criteria: it is a conservative change, it occurs at a poorly conserved position in the protein, it is predicted to be benign by multiple in silico algorithms, and/or has population frequency not consistent with disease.

Breakthrough Genomics
Classification: Benign. Review status: criteria provided, single submitter. Criteria: ACMG Guidelines, 2015. Collection method: not provided. Allele origin: germline. Inheritance: Autosomal recessive inheritance. Affected: yes.